The following is an entry in ClinVar:

NM_001382391.1(CSPP1):c.2524G>A (p.Gly842Arg)

Gene: CSPP1 (centrosome and spindle pole associated protein 1; plus strand). Cytogenetic location: 8q13.2.
Variant type: single nucleotide variant.
Coding change: c.2524G>A on transcript NM_001382391.1 (MANE Select); coding-DNA position 2524, G replaced by A.
Protein change: p.Gly842Arg; replaces glycine 842 with arginine.
Molecular consequence: missense variant.
Genome position (GRCh38, 1-based): chr8:67,159,123, G>A. VCF-style: chr8-67159123-G-A. GRCh37 (hg19) VCF-style: chr8-68071358-G-A.
Other names: c.1474G>A, p.Gly492Arg (NM_001291339.2); c.2443G>A, p.Gly815Arg (NM_001363131.2); c.2329G>A, p.Gly777Arg (NM_001363132.2); c.2248G>A, p.Gly750Arg (NM_001363133.2); c.2590G>A, p.Gly864Arg (NM_001364869.1); c.2410G>A, p.Gly804Arg (NM_001364870.1); c.2509G>A, p.Gly837Arg (NM_024790.7); short protein forms G492R, G750R, G777R, G804R, G815R, G837R, G842R, G864R.
Identifiers: ClinVar variation 1051080 (VCV001051080.7), dbSNP rs371072368, ClinGen allele CA4770855.

ClinVar aggregate classification (germline): Uncertain significance. Review status: criteria provided, multiple submitters, no conflicts (2 of 4 stars). 2 submissions from 2 submitters: Uncertain significance (2). Last evaluated 2025-04-15.

Conditions:
Joubert syndrome 21 (JBTS21). Identifiers: MedGen C3810212, MONDO:0014288, OMIM 615636.
Inborn genetic diseases. Identifiers: MedGen C0950123, MeSH D030342.

Allele frequency attached by ClinVar (database versions not stated): ExAC 0.00003; gnomAD exomes 0.00003 and 0.00005; TOPMed 0.00003; gnomAD 0.00006; ESP Exome Variant Server 0.00017.
gnomAD v4.1: 74 of 1,598,414 alleles (0.0046%); highest among the groups gnomAD compares: Non-Finnish European, 0.006%; no homozygotes.

Submissions (2):

Ambry Genetics
Classification: Uncertain significance for Inborn genetic diseases. Last evaluated: 2025-04-15. Review status: criteria provided, single submitter. Criteria: Ambry Variant Classification Scheme 2023. Collection method: clinical testing. Allele origin: germline.

Labcorp Genetics (formerly Invitae), Labcorp
Classification: Uncertain significance for Joubert syndrome 21. Last evaluated: 2022-10-17. Review status: criteria provided, single submitter. Criteria: Invitae Variant Classification Sherloc (09022015). Collection method: clinical testing. Allele origin: germline.
Comment: This sequence change replaces glycine, which is neutral and non-polar, with arginine, which is basic and polar, at codon 837 of the CSPP1 protein (p.Gly837Arg). This variant is present in population databases (rs371072368, gnomAD 0.007%). This variant has not been reported in the literature in individuals affected with CSPP1-related conditions. ClinVar contains an entry for this variant (Variation ID: 1051080). Algorithms developed to predict the effect of missense changes on protein structure and function are either unavailable or do not agree on the potential impact of this missense change (SIFT: "Tolerated"; PolyPhen-2: "Probably Damaging"; Align-GVGD: "Class C0"). In summary, the available evidence is currently insufficient to determine the role of this variant in disease. Therefore, it has been classified as a Variant of Uncertain Significance.